The following is an entry in ClinVar:

ClinVar aggregate classification (germline): Likely pathogenic. Review status: criteria provided, multiple submitters, no conflicts (2 of 4 stars). 3 submissions from 3 submitters: Likely pathogenic (2). 1 of the submissions does not count toward it. Last evaluated 2024-08-19.

Conditions:
Leber congenital amaurosis 2 (LCA2). Also called: AMAUROSIS CONGENITA OF LEBER II; Autosomal Recessive RPE65-Related Retinal Degeneration. Identifiers: Orphanet 65, MedGen C1859844, MONDO:0008765, OMIM 204100. Disease mechanism: loss of function.
Leber congenital amaurosis (LCA). Also called: Leber's amaurosis. Identifiers: Orphanet 65, MedGen C0339527, MeSH D057130, MONDO:0018998.

Submissions (3):

Natera, Inc.
Classification: Likely pathogenic for Leber congenital amaurosis. Last evaluated: 2024-08-19. Review status: criteria provided, single submitter. Criteria: Natera Variant Classification Schema (03/2026). Collection method: clinical testing. Allele origin: germline.
Comment: The c.93A>G variant in RPE65 is a synonymous variant that does not alter the encoded amino acid at position 31 (p.T31=). This variant is rare in the general population with a frequency below the threshold expected for the associated phenotype(s). This variant has been observed in one or more individuals affected with the associated recessive disease, as either homozygous or compound heterozygous with a second variant (PMID: 34938339). Functional studies show that this variant may disrupt protein function (PMID: 34938339). Computational prediction algorithms indicate this variant is likely to affect gene or protein function. Given the available evidence, this variant is classified as Likely Pathogenic.

Baylor Genetics
Classification: Likely pathogenic for Leber congenital amaurosis 2. Last evaluated: 2023-05-10. Review status: criteria provided, single submitter. Criteria: ACMG Guidelines, 2015. Collection method: clinical testing. Allele origin: unknown.

Eye Genetics Research Group, Children's Medical Research Institute
Classification: Pathogenic for Leber congenital amaurosis 2. Last evaluated: 2021-09-20. Review status: no assertion criteria provided. Collection method: clinical testing. Allele origin: germline. Affected: yes. Not counted in ClinVar's aggregate classification.

Literature cited by the submitters: PubMed 34938339 (cited by Natera, Inc.).

NM_000329.3(RPE65):c.93A>G (p.Thr31=)

Gene: RPE65 (retinoid isomerohydrolase RPE65; minus strand). Cytogenetic location: 1p31.3.
Variant type: single nucleotide variant.
Coding change: c.93A>G on transcript NM_000329.3 (MANE Select); coding-DNA position 93, A replaced by G.
Protein change: p.Thr31=; no amino-acid change (threonine 31 retained).
Molecular consequence: synonymous variant.
Genome position (GRCh38, 1-based): chr1:68,448,625, T>C on the plus strand (A>G on the coding strand, the complement: RPE65 is on the minus strand). VCF-style: chr1-68448625-T-C. GRCh37 (hg19) VCF-style: chr1-68914308-T-C.
Identifiers: ClinVar variation 1275754 (VCV001275754.3), dbSNP rs2100834154, ClinGen allele CA418284162.
Genomic context (GRCh38, chr1:68,448,625, plus strand): 5'-GAAGCCAGAGAAGAGAGACTGACATAAAAGAGGATGGCTTCAAGATGGGCGAGACCAACC[T>C]GTTACATGAGCTGTGAGCGGCGAGGACAGTTCCTCCACAGTTTCAAACAGTTTCTTGTAA-3'
Protein context (NP_000320.1, residues 21-41): ELSSPLTAHV[Thr31=]GRIPLWLTGS